The following is an entry in ClinVar:

NM_007194.4(CHEK2):c.319+1G>A

Gene: CHEK2 (checkpoint kinase 2; minus strand). Cytogenetic location: 22q12.1.
Variant type: single nucleotide variant.
Coding change: c.319+1G>A on transcript NM_007194.4 (MANE Select); the canonical splice donor site of the intron after coding-DNA position 319, G replaced by A.
Molecular consequence: splice donor variant. On other transcripts: intron variant (1).
Genome position (GRCh38, 1-based): chr22:28,734,402, C>T on the plus strand (G>A on the coding strand, the complement: CHEK2 is on the minus strand). VCF-style: chr22-28734402-C-T. GRCh37 (hg19) VCF-style: chr22-29130390-C-T.
Other names: c.-345+7367G>A (NM_001437942.1); c.319+1G>A (NM_001349956.3, NM_145862.3, NM_001438295.1 and 3 more transcripts); c.-459+1G>A (NM_001257387.3).
Identifiers: ClinVar variation 481726 (VCV000481726.26), dbSNP rs765080766, ClinGen allele CA10168045.

ClinVar aggregate classification (germline): Pathogenic/Likely pathogenic. Review status: criteria provided, multiple submitters, no conflicts (2 of 4 stars). 9 submissions from 9 submitters: Pathogenic (1); Likely pathogenic (7). 1 of the submissions does not count toward it. Last evaluated 2026-01-19.

Conditions:
Hereditary cancer-predisposing syndrome. Also called: Neoplastic Syndromes, Hereditary; Tumor predisposition; Hereditary Cancer Syndrome; Hereditary neoplastic syndrome. Identifiers: Orphanet 140162, MedGen C0027672, MeSH D009386, MONDO:0015356.
CHEK2-related disorder.
CHEK2-related cancer predisposition (TPDS4). Also called: CHEK2-related cancer susceptibility; TUMOR PREDISPOSITION SYNDROME 4; CANCER PREDISPOSITION SYNDROME, CHEK2-RELATED. Identifiers: Orphanet 524, MedGen C5882668, MONDO:0700271, OMIM 609265.
Bone osteosarcoma. Also called: Osteosarcoma, somatic. Identifiers: Orphanet 668, MedGen C0585442, MONDO:0002629, OMIM 259500.
Familial prostate cancer. Also called: Hereditary Prostate Cancer. Identifiers: MedGen C2931456, MONDO:0700275, OMIM 176807.
Prostate cancer susceptibility. Also called: PROSTATE CANCER, SUSCEPTIBILITY TO. Identifiers: MedGen C3469524.
Breast cancer, susceptibility to. Identifiers: MedGen C3469522. Disease mechanism: gain of function.
Familial cancer of breast. Also called: BREAST CANCER, FAMILIAL; hereditary breast carcinoma; Hereditary breast cancer. Identifiers: Orphanet 227535, MedGen C0346153, MONDO:0016419, OMIM 114480. Disease mechanism: loss of function.

Allele frequency attached by ClinVar (database versions not stated): ExAC 0.00002; TOPMed below 0.00001; gnomAD exomes 0.00001.
gnomAD v4.1: 3 of 1,613,810 alleles (0.00019%); highest among the groups gnomAD compares: Non-Finnish European, 0.00017%; no homozygotes.

Submissions (9):

Labcorp Genetics (formerly Invitae), Labcorp
Classification: Likely pathogenic for Familial cancer of breast. Last evaluated: 2026-01-19. Review status: criteria provided, single submitter. Criteria: Invitae Variant Classification Sherloc (09022015). Collection method: clinical testing. Allele origin: germline.
Comment: This sequence change affects a donor splice site in intron 2 of the CHEK2 gene. It is expected to disrupt RNA splicing. Variants that disrupt the donor or acceptor splice site typically lead to a loss of protein function (PMID: 16199547), and loss-of-function variants in CHEK2 are known to be pathogenic (PMID: 21876083, 24713400). The frequency data for this variant in the population databases is considered unreliable, as metrics indicate poor data quality at this position in the gnomAD database. This variant has not been reported in the literature in individuals affected with CHEK2-related conditions. ClinVar contains an entry for this variant (Variation ID: 481726). RNA analysis provides insufficient evidence to determine the effect of this variant on CHEK2 splicing (internal data). In summary, the currently available evidence indicates that the variant is pathogenic, but additional data are needed to prove that conclusively. Therefore, this variant has been classified as Likely Pathogenic.

Ambry Genetics
Classification: Likely pathogenic for Hereditary cancer-predisposing syndrome. Last evaluated: 2025-02-18. Review status: criteria provided, single submitter. Criteria: Ambry Variant Classification Scheme 2023. Collection method: clinical testing. Allele origin: germline.
Comment: The c.319+1G>A intronic variant results from a G to A substitution one nucleotide after coding exon 1 of the CHEK2 gene. This nucleotide position is highly conserved in available vertebrate species. In silico splice site analysis predicts that this alteration will weaken the native splice donor site. This variant is considered to be rare based on population cohorts in the Genome Aggregation Database (gnomAD). Alterations that disrupt the canonical splice site are expected to cause aberrant splicing, resulting in an abnormal protein or a transcript that is subject to nonsense-mediated mRNA decay. As such, this alteration is classified as likely pathogenic.

Department of Pathology and Laboratory Medicine, Sinai Health System
Classification: Likely pathogenic for Familial prostate cancer; Bone osteosarcoma; CHEK2-related cancer predisposition. Last evaluated: 2025-01-14. Review status: criteria provided, single submitter. Criteria: ACMG Guidelines, 2015. Collection method: clinical testing. Allele origin: germline.

Baylor Genetics
Classification: Likely pathogenic for Familial cancer of breast. Last evaluated: 2023-11-17. Review status: criteria provided, single submitter. Criteria: ACMG Guidelines, 2015. Collection method: clinical testing. Allele origin: unknown.

Myriad Genetics, Inc.
Classification: Likely pathogenic for Familial cancer of breast. Last evaluated: 2023-06-23. Review status: criteria provided, single submitter. Criteria: Myriad Autosomal Dominant, Autosomal Recessive and X-Linked Classification Criteria (2023). Collection method: clinical testing. Allele origin: unknown.
Comment: This variant is considered likely pathogenic. This variant occurs within a consensus splice junction and is predicted to result in abnormal mRNA splicing of either an out-of-frame exon or an in-frame exon necessary for protein stability and/or normal function.

Department of Molecular Diagnostics, Institute of Oncology Ljubljana
Classification: Pathogenic for Familial cancer of breast. Last evaluated: 2020-04-02. Review status: criteria provided, single submitter. Criteria: ACMG Guidelines, 2015. Collection method: clinical testing. Allele origin: germline. Affected: yes.

Color Diagnostics, LLC DBA Color Health
Classification: Likely pathogenic for Hereditary cancer-predisposing syndrome. Last evaluated: 2020-03-16. Review status: criteria provided, single submitter. Criteria: ACMG Guidelines, 2015. Collection method: clinical testing. Allele origin: germline.
Comment: This variant causes a G to A nucleotide substitution at the +1 position of intron 2 of the CHEK2 gene. Splice site prediction tools predict that this variant may have a significant impact on RNA splicing. Although RNA studies have not been reported for this variant, this variant is expected to result in an absent or non-functional protein product. This variant has not been reported in individuals affected with hereditary cancer in the literature. This variant has been identified in 2/250812 chromosomes in the general population by the Genome Aggregation Database (gnomAD). Loss of CHEK2 function is a known mechanism of disease. Based on the available evidence, this variant is classified as Likely Pathogenic.

Human Genome Sequencing Center Clinical Lab, Baylor College of Medicine
Classification: Likely pathogenic for Susceptibility to breast cancer; Susceptibility to prostate cancer. Last evaluated: 2019-10-23. Review status: criteria provided, single submitter. Criteria: ACMG Guidelines, 2015. Collection method: clinical testing. Allele origin: germline.
Comment: The c.319+1G>A variant occurs in the donor splice site of intron 2 of the CHEK2 gene and is predicted to affect splicing, likely resulting in disrupted or absent protein product via nonsense mediated decay. While this particular variant has not been reported in individuals with CHEK2-related cancer, a different variant also at the same donor splice site (c.319+2T>A) is associated with thyroid cancer, breast cancer, and colorectal cancer (PMID: 28608266, 26681312, 27696107). The c.319+1G>A variant is very rare in population databases (2/250812 alleles in gnomAD). Loss-of-function variants in CHEK2 are considered pathogenic (PMID: 21876083, 24713400). This variant has been classified as Likely Pathogenic, however due to low allele fraction detected on NGS in this sample, this could represent somatic mosaicism. The clinical significance of this finding warrants further investigation.

PreventionGenetics, part of Exact Sciences
Classification: Likely pathogenic for CHEK2-related condition. Last evaluated: 2024-07-12. Review status: no assertion criteria provided. Collection method: clinical testing. Allele origin: germline. Not counted in ClinVar's aggregate classification.
Comment: The CHEK2 c.319+1G>A variant is predicted to disrupt the GT donor site and interfere with normal splicing. To our knowledge, this variant has not been reported in the literature. This variant is reported in 0.0033% of alleles in individuals of South Asian descent in gnomAD and is interpreted as pathogenic/likely pathogenic in ClinVar. Variants that disrupt the consensus splice donor site in CHEK2 are expected to be pathogenic. This variant is interpreted as likely pathogenic.

Literature cited by the submitters: PubMed 16199547 (cited by Labcorp Genetics (formerly Invitae), Labcorp); PubMed 21876083 (cited by Labcorp Genetics (formerly Invitae), Labcorp); PubMed 24713400 (cited by Labcorp Genetics (formerly Invitae), Labcorp and Department of Pathology and Laboratory Medicine, Sinai Health System).